The following is an entry in ClinVar:

NM_130466.4(UBE3B):c.40G>A (p.Asp14Asn)

Gene: UBE3B (ubiquitin protein ligase E3B; plus strand). Cytogenetic location: 12q24.11.
Variant type: single nucleotide variant.
Coding change: c.40G>A on transcript NM_130466.4 (MANE Select); coding-DNA position 40, G replaced by A.
Protein change: p.Asp14Asn; replaces aspartic acid 14 with asparagine.
Molecular consequence: missense variant.
Genome position (GRCh38, 1-based): chr12:109,483,591, G>A. VCF-style: chr12-109483591-G-A. GRCh37 (hg19) VCF-style: chr12-109921396-G-A.
Other names: c.40G>A, p.Asp14Asn (NM_001270449.2, NM_001270450.2, NM_001270451.2 and 1 more transcripts); short protein forms D14N.
Identifiers: ClinVar variation 2159515 (VCV002159515.2), dbSNP rs771722819, ClinGen allele CA6777371.

ClinVar aggregate classification (germline): Uncertain significance (1 of 4 stars; one submission).

Allele frequency attached by ClinVar (database versions not stated): gnomAD 0.00001; TOPMed 0.00001; ExAC 0.00002.
gnomAD v4.1: 45 of 1,609,142 alleles (0.0028%); highest among the groups gnomAD compares: South Asian, 0.0055%; no homozygotes.

Submission:

Labcorp Genetics (formerly Invitae), Labcorp
Classification: Uncertain significance. Last evaluated: 2022-07-06. Review status: criteria provided, single submitter. Criteria: Invitae Variant Classification Sherloc (09022015). Collection method: clinical testing. Allele origin: germline.
Comment: In summary, the available evidence is currently insufficient to determine the role of this variant in disease. Therefore, it has been classified as a Variant of Uncertain Significance. Algorithms developed to predict the effect of missense changes on protein structure and function are either unavailable or do not agree on the potential impact of this missense change (SIFT: "Deleterious"; PolyPhen-2: "Benign"; Align-GVGD: "Class C0"). This missense change has been observed in individual(s) with clinical features of Kaufman syndrome (PMID: 30315573). This variant is present in population databases (rs771722819, gnomAD 0.003%). This sequence change replaces aspartic acid, which is acidic and polar, with asparagine, which is neutral and polar, at codon 14 of the UBE3B protein (p.Asp14Asn).

Literature cited by the submitters: PubMed 30315573.